The following is an entry in ClinVar:

ClinVar aggregate classification (germline): Uncertain significance (1 of 4 stars; one submission).

Submission:

GeneDx
Classification: Uncertain significance. Last evaluated: 2026-03-06. Review status: criteria provided, single submitter. Criteria: GeneDx Variant Classification Process June 2021. Collection method: clinical testing. Allele origin: germline.
Comment: Not observed at significant frequency in large population cohorts (gnomAD); In silico analysis supports that this missense variant has a deleterious effect on protein structure/function; Has not been previously published as pathogenic or benign to our knowledge

NM_001012614.2(CTBP1):c.184G>T (p.Ala62Ser)

Gene: CTBP1 (C-terminal binding protein 1; minus strand). Cytogenetic location: 4p16.3.
Variant type: single nucleotide variant.
Coding change: c.184G>T on transcript NM_001012614.2 (MANE Select); coding-DNA position 184, G replaced by T.
Protein change: p.Ala62Ser; replaces alanine 62 with serine.
Molecular consequence: missense variant.
Genome position (GRCh38, 1-based): chr4:1,228,322, C>A on the plus strand (G>T on the coding strand, the complement: CTBP1 is on the minus strand). VCF-style: chr4-1228322-C-A. GRCh37 (hg19) VCF-style: chr4-1222110-C-A.
Other names: c.217G>T, p.Ala73Ser (NM_001328.3, NM_001377186.1); c.184G>T, p.Ala62Ser (NM_001377187.1, NM_001377188.1, NM_001377189.1 and 4 more transcripts); short protein forms A73S, A62S.
Identifiers: ClinVar variation 5008576 (VCV005008576.1).